The following is an entry in ClinVar:

ClinVar aggregate classification (germline): Pathogenic (1 of 4 stars; one submission).

Conditions:
Glycogen storage disease type III (GSD3). Also called: FORBES DISEASE; Cori disease. Identifiers: Orphanet 366, MedGen C0017922, MONDO:0009291, OMIM 232400.

Submission:

Labcorp Genetics (formerly Invitae), Labcorp
Classification: Pathogenic for Glycogen storage disease type III. Last evaluated: 2021-04-30. Review status: criteria provided, single submitter. Criteria: Invitae Variant Classification Sherloc (09022015). Collection method: clinical testing. Allele origin: germline.
Comment: For these reasons, this variant has been classified as Pathogenic. This variant has been observed in individual(s) with glycogen storage disease type III (PMID: 19951495). This variant is also known as p.Thr193ThrfsX8 in the literature. This variant is not present in population databases (ExAC no frequency). This sequence change creates a premature translational stop signal (p.Trp194Glyfs*7) in the AGL gene. It is expected to result in an absent or disrupted protein product. Loss-of-function variants in AGL are known to be pathogenic (PMID: 19299494).

Literature cited by the submitters: PubMed 19951495; PubMed 19299494.

NM_000642.3(AGL):c.579del (p.Trp194fs)

Gene: AGL (amylo-alpha-1,6-glucosidase and 4-alpha-glucanotransferase; plus strand). Cytogenetic location: 1p21.2.
Variant type: Deletion.
Coding change: c.579del on transcript NM_000642.3 (MANE Select); coding-DNA position 579, one base deleted (C; older notation c.579delC).
Protein change: p.Trp194fs; shifts the reading frame from tryptophan 194.
Molecular consequence: frameshift variant.
Genome position (GRCh38, 1-based): chr1:99,864,504, C deleted; the last of 2 consecutive C bases (chr1:99,864,503-99,864,504); deleting either gives the same sequence. VCF-style (leftmost placement, unchanged base first): chr1-99864502-AC-A. GRCh37 (hg19) VCF-style: chr1-100330058-AC-A.
Other names: c.579delC, p.Trp194Glyfs (NM_001425326.1, NM_001425327.1, NM_000644.3 and 3 more transcripts); c.201delC, p.Trp68Glyfs (NM_001425332.1); c.531delC, p.Trp178Glyfs (NM_000646.3); short protein forms W178fs, W194fs.
Identifiers: ClinVar variation 1457725 (VCV001457725.8), dbSNP rs2101094012, ClinGen allele CA2573132619.